The following is an entry in ClinVar:

NM_006904.7(PRKDC):c.5204G>A (p.Arg1735Gln)

Gene: PRKDC (protein kinase, DNA-activated, catalytic subunit; minus strand). Cytogenetic location: 8q11.21.
Variant type: single nucleotide variant.
Coding change: c.5204G>A on transcript NM_006904.7 (MANE Select); coding-DNA position 5204, G replaced by A.
Protein change: p.Arg1735Gln; replaces arginine 1735 with glutamine.
Molecular consequence: missense variant.
Genome position (GRCh38, 1-based): chr8:47,879,522, C>T on the plus strand (G>A on the coding strand, the complement: PRKDC is on the minus strand). VCF-style: chr8-47879522-C-T. GRCh37 (hg19) VCF-style: chr8-48792083-C-T.
Other names: c.5204G>A, p.Arg1735Gln (NM_001081640.2); short protein forms R1735Q.
Identifiers: ClinVar variation 1523734 (VCV001523734.5), dbSNP rs756568122, ClinGen allele CA4740695.

ClinVar aggregate classification (germline): Uncertain significance (1 of 4 stars; one submission).

Conditions:
Severe combined immunodeficiency due to DNA-PKcs deficiency. Also called: IMMUNODEFICIENCY 26 WITH NEUROLOGIC ABNORMALITIES; Immunodeficiency 26 with or without neurologic abnormalities. Identifiers: Orphanet 317425, MedGen C4014833, MONDO:0014423, OMIM 615966.

Allele frequency attached by ClinVar (database versions not stated): gnomAD exomes 0.00001 and 0.00003; ExAC 0.00008.
gnomAD v4.1: 23 of 1,596,202 alleles (0.0014%); highest among the groups gnomAD compares: Non-Finnish European, 0.0019%; no homozygotes.

Submission:

Labcorp Genetics (formerly Invitae), Labcorp
Classification: Uncertain significance for Severe combined immunodeficiency due to DNA-PKcs deficiency. Last evaluated: 2025-05-02. Review status: criteria provided, single submitter. Criteria: Invitae Variant Classification Sherloc (09022015). Collection method: clinical testing. Allele origin: germline.
Comment: This sequence change replaces arginine, which is basic and polar, with glutamine, which is neutral and polar, at codon 1735 of the PRKDC protein (p.Arg1735Gln). The frequency data for this variant in the population databases is considered unreliable, as metrics indicate poor data quality at this position in the gnomAD database. This variant has not been reported in the literature in individuals affected with PRKDC-related conditions. ClinVar contains an entry for this variant (Variation ID: 1523734). Invitae Evidence Modeling of protein sequence and biophysical properties (such as structural, functional, and spatial information, amino acid conservation, physicochemical variation, residue mobility, and thermodynamic stability) indicates that this missense variant is not expected to disrupt PRKDC protein function with a negative predictive value of 80%. In summary, the available evidence is currently insufficient to determine the role of this variant in disease. Therefore, it has been classified as a Variant of Uncertain Significance.